The following is an entry in ClinVar:

ClinVar aggregate classification (germline): Uncertain significance (1 of 4 stars; one submission).

Conditions:
Primary ciliary dyskinesia. Also called: Ciliary dyskinesia. Identifiers: Orphanet 244, MedGen C0008780, MONDO:0016575, HP:0012265.

Allele frequency attached by ClinVar (database versions not stated): gnomAD exomes 0.00004 and 0.00006; ExAC 0.00005; gnomAD 0.00001; TOPMed 0.00003; 1000 Genomes Project 30x 0.00016; 1000 Genomes Project 0.00020.
gnomAD v4.1: 84 of 1,613,324 alleles (0.0052%); highest among the groups gnomAD compares: East Asian, 0.0067%; no homozygotes.

Submission:

Labcorp Genetics (formerly Invitae), Labcorp
Classification: Uncertain significance for Primary ciliary dyskinesia. Last evaluated: 2023-05-09. Review status: criteria provided, single submitter. Criteria: Invitae Variant Classification Sherloc (09022015). Collection method: clinical testing. Allele origin: germline.
Comment: In summary, the available evidence is currently insufficient to determine the role of this variant in disease. Therefore, it has been classified as a Variant of Uncertain Significance. Algorithms developed to predict the effect of sequence changes on RNA splicing suggest that this variant may disrupt the consensus splice site. Experimental studies and prediction algorithms are not available or were not evaluated, and the functional significance of this variant is currently unknown. ClinVar contains an entry for this variant (Variation ID: 1381768). This variant has not been reported in the literature in individuals affected with DNAH8-related conditions. This variant is present in population databases (rs546652224, gnomAD 0.006%). This sequence change replaces arginine, which is basic and polar, with glutamine, which is neutral and polar, at codon 744 of the DNAH8 protein (p.Arg744Gln).

NM_001206927.2(DNAH8):c.2231G>A (p.Arg744Gln)

Gene: DNAH8 (dynein axonemal heavy chain 8; plus strand). Cytogenetic location: 6p21.2.
Variant type: single nucleotide variant.
Coding change: c.2231G>A on transcript NM_001206927.2 (MANE Select); coding-DNA position 2231, G replaced by A.
Protein change: p.Arg744Gln; replaces arginine 744 with glutamine.
Molecular consequence: missense variant.
Genome position (GRCh38, 1-based): chr6:38,781,345, G>A. VCF-style: chr6-38781345-G-A. GRCh37 (hg19) VCF-style: chr6-38749121-G-A.
Other names: c.1580G>A, p.Arg527Gln (NM_001371.4); short protein forms R527Q, R744Q.
Identifiers: ClinVar variation 1381768 (VCV001381768.6), dbSNP rs546652224, ClinGen allele CA3788459.